The following is an entry in ClinVar:

ClinVar aggregate classification (germline): Uncertain significance (1 of 4 stars; one submission).

Allele frequency attached by ClinVar (database versions not stated): ExAC 0.00002.
gnomAD v4.1: 17 of 1,610,608 alleles (0.0011%); highest among the groups gnomAD compares: African/African-American, 0.008%; no homozygotes.

Submission:

Labcorp Genetics (formerly Invitae), Labcorp
Classification: Uncertain significance. Last evaluated: 2023-05-07. Review status: criteria provided, single submitter. Criteria: Invitae Variant Classification Sherloc (09022015). Collection method: clinical testing. Allele origin: germline.
Comment: In summary, the available evidence is currently insufficient to determine the role of this variant in disease. Therefore, it has been classified as a Variant of Uncertain Significance. Algorithms developed to predict the effect of sequence changes on RNA splicing suggest that this variant may disrupt the consensus splice site. This variant has not been reported in the literature in individuals affected with SARS2-related conditions. This variant is present in population databases (rs761616100, gnomAD 0.009%). This sequence change creates a premature translational stop signal (p.Arg344*) in the SARS2 gene. It is expected to result in an absent or disrupted protein product. However, the current clinical and genetic evidence is not sufficient to establish whether loss-of-function variants in SARS2 cause disease.

NM_017827.4(SARS2):c.1030C>T (p.Arg344Ter)

Gene: SARS2 (seryl-tRNA synthetase 2, mitochondrial; minus strand). Cytogenetic location: 19q13.2.
Variant type: single nucleotide variant.
Coding change: c.1030C>T on transcript NM_017827.4 (MANE Select); coding-DNA position 1030, C replaced by T.
Protein change: p.Arg344Ter; replaces arginine 344 with a stop codon.
Molecular consequence: nonsense.
Genome position (GRCh38, 1-based): chr19:38,917,941, G>A on the plus strand (C>T on the coding strand, the complement: SARS2 is on the minus strand). VCF-style: chr19-38917941-G-A. GRCh37 (hg19) VCF-style: chr19-39408581-G-A.
Other names: c.1036C>T, p.Arg346Ter (NM_001145901.2); short protein forms R346*, R344*.
Identifiers: ClinVar variation 2888929 (VCV002888929.3), dbSNP rs761616100, ClinGen allele CA9422910.